The following is an entry in ClinVar:

NM_005762.3(TRIM28):c.2116C>T (p.Arg706Cys)

Gene: TRIM28 (tripartite motif containing 28; plus strand). Cytogenetic location: 19q13.43.
Variant type: single nucleotide variant.
Coding change: c.2116C>T on transcript NM_005762.3 (MANE Select); coding-DNA position 2116, C replaced by T.
Protein change: p.Arg706Cys; replaces arginine 706 with cysteine.
Molecular consequence: missense variant.
Genome position (GRCh38, 1-based): chr19:58,549,958, C>T. VCF-style: chr19-58549958-C-T. GRCh37 (hg19) VCF-style: chr19-59061325-C-T.
Other names: short protein forms R706C.
Identifiers: ClinVar variation 2353565 (VCV002353565.4), dbSNP rs763822300, ClinGen allele CA9719490.

ClinVar aggregate classification (germline): Uncertain significance. Review status: criteria provided, multiple submitters, no conflicts (2 of 4 stars). 2 submissions from 2 submitters: Uncertain significance (2). Last evaluated 2024-12-02.

Allele frequency attached by ClinVar (database versions not stated): ExAC 0.00001; gnomAD 0.00001; gnomAD exomes 0.00001; TOPMed 0.00001.
gnomAD v4.1: 15 of 1,613,858 alleles (0.00093%); highest among the groups gnomAD compares: Admixed American, 0.0017%; no homozygotes.

Submissions (2):

Labcorp Genetics (formerly Invitae), Labcorp
Classification: Uncertain significance. Last evaluated: 2024-12-02. Review status: criteria provided, single submitter. Criteria: Invitae Variant Classification Sherloc (09022015). Collection method: clinical testing. Allele origin: germline.
Comment: This sequence change replaces arginine, which is basic and polar, with cysteine, which is neutral and slightly polar, at codon 706 of the TRIM28 protein (p.Arg706Cys). This variant is present in population databases (rs763822300, gnomAD 0.003%). This variant has not been reported in the literature in individuals affected with TRIM28-related conditions. ClinVar contains an entry for this variant (Variation ID: 2353565). In summary, the available evidence is currently insufficient to determine the role of this variant in disease. Therefore, it has been classified as a Variant of Uncertain Significance.

Ambry Genetics
Classification: Uncertain significance. Last evaluated: 2022-04-25. Review status: criteria provided, single submitter. Criteria: Ambry Variant Classification Scheme 2023. Collection method: clinical testing. Allele origin: germline.